The following is an entry in ClinVar:

ClinVar aggregate classification (germline): Uncertain significance. Review status: criteria provided, multiple submitters, no conflicts (2 of 4 stars). 2 submissions from 2 submitters: Uncertain significance (2). Last evaluated 2022-10-11.

Conditions:
Cystic fibrosis (CF). Also called: MUCOVISCIDOSIS. Identifiers: Orphanet 586, MedGen C0010674, MONDO:0009061, OMIM 219700. Disease mechanism: loss of function.

gnomAD v4.1: 1 of 1,613,694 alleles (0.000062%); highest among the groups gnomAD compares: Non-Finnish European, 0.000085%; no homozygotes.

Submissions (2):

Blueprint Genetics
Classification: Uncertain significance. Last evaluated: 2022-10-11. Review status: criteria provided, single submitter. Criteria: ACMG Guidelines, 2015. Collection method: clinical testing. Allele origin: germline.

Institute of Human Genetics, University of Leipzig Medical Center
Classification: Uncertain significance for Cystic fibrosis. Last evaluated: 2022-09-05. Review status: criteria provided, single submitter. Criteria: ACMG Guidelines, 2015. Collection method: curation. Allele origin: unknown. Affected: yes. Observed: 1 variant allele.
Comment: The variant was classified in the context of a project re-classifying variants in the German Cystic Fibrosis Registry (Muko.e.V.). Criteria applied: PM2_SUP, PM3, BP4

NM_000492.4(CFTR):c.3085T>A (p.Leu1029Met)

Genes: CFTR (CF transmembrane conductance regulator; plus strand), CFTR-AS2 (CFTR antisense RNA 2; minus strand), LOC111674472 (DNase I hypersensitive sites in introns 16 and 17a of CFTR; plus strand). Cytogenetic location: 7q31.2.
Variant type: single nucleotide variant.
Coding change: c.3085T>A on transcript NM_000492.4 (MANE Select); coding-DNA position 3085, T replaced by A.
Protein change: p.Leu1029Met; replaces leucine 1029 with methionine.
Molecular consequence: missense variant.
Genome position (GRCh38, 1-based): chr7:117,610,615, T>A. VCF-style: chr7-117610615-T-A. GRCh37 (hg19) VCF-style: chr7-117250669-T-A.
Other names: short protein forms L1029M.
Identifiers: ClinVar variation 1705999 (VCV001705999.2), dbSNP rs1488996808, ClinGen allele CA368990748.